The following is an entry in ClinVar:

NM_001382391.1(CSPP1):c.422A>G (p.Gln141Arg)

Gene: CSPP1 (centrosome and spindle pole associated protein 1; plus strand). Cytogenetic location: 8q13.1.
Variant type: single nucleotide variant.
Coding change: c.422A>G on transcript NM_001382391.1 (MANE Select); coding-DNA position 422, A replaced by G.
Protein change: p.Gln141Arg; replaces glutamine 141 with arginine.
Molecular consequence: missense variant. On other transcripts: 5 prime UTR variant (1).
Genome position (GRCh38, 1-based): chr8:67,093,580, A>G. VCF-style: chr8-67093580-A-G. GRCh37 (hg19) VCF-style: chr8-68005815-A-G.
Other names: c.-434A>G (NM_001291339.2); c.341A>G, p.Gln114Arg (NM_001363131.2, NM_001363133.2); c.422A>G, p.Gln141Arg (NM_001363132.2); c.530A>G, p.Gln177Arg (NM_001364869.1); c.449A>G, p.Gln150Arg (NM_001364870.1, NM_024790.7); short protein forms Q114R, Q177R, Q141R, Q150R.
Identifiers: ClinVar variation 1445206 (VCV001445206.5), dbSNP rs775754786, ClinGen allele CA4770286.

ClinVar aggregate classification (germline): Uncertain significance (1 of 4 stars; one submission).

Conditions:
Joubert syndrome 21 (JBTS21). Identifiers: MedGen C3810212, MONDO:0014288, OMIM 615636.

Allele frequency attached by ClinVar (database versions not stated): ExAC 0.00002; gnomAD exomes 0.00002 and 0.00004; TOPMed 0.00003; gnomAD 0.00007.
gnomAD v4.1: 67 of 1,611,992 alleles (0.0042%); highest among the groups gnomAD compares: African/African-American, 0.0093%; no homozygotes.

Submission:

Labcorp Genetics (formerly Invitae), Labcorp
Classification: Uncertain significance for Joubert syndrome 21. Last evaluated: 2021-12-21. Review status: criteria provided, single submitter. Criteria: Invitae Variant Classification Sherloc (09022015). Collection method: clinical testing. Allele origin: germline.
Comment: This sequence change replaces glutamine, which is neutral and polar, with arginine, which is basic and polar, at codon 150 of the CSPP1 protein (p.Gln150Arg). This variant is present in population databases (rs775754786, gnomAD 0.004%). This variant has not been reported in the literature in individuals affected with CSPP1-related conditions. Algorithms developed to predict the effect of missense changes on protein structure and function are either unavailable or do not agree on the potential impact of this missense change (SIFT: "Deleterious"; PolyPhen-2: "Possibly Damaging"; Align-GVGD: "Class C0"). In summary, the available evidence is currently insufficient to determine the role of this variant in disease. Therefore, it has been classified as a Variant of Uncertain Significance.